The following is an entry in ClinVar:

ClinVar aggregate classification (germline): Uncertain significance (1 of 4 stars; one submission).

Conditions:
Hereditary breast ovarian cancer syndrome. Also called: BRCA1- and BRCA2-Associated Hereditary Breast and Ovarian Cancer; Hereditary breast and ovarian cancer syndrome (HBOC); Hereditary breast and/or ovarian cancer syndrome; Hereditary breast and ovarian cancer syndrome; Hereditary breast and ovarian cancer; Breast and ovarian cancer. Identifiers: Orphanet 145, MedGen C0677776, MeSH D061325, MONDO:0003582. Disease mechanism: loss of function.

Submission:

Labcorp Genetics (formerly Invitae), Labcorp
Classification: Uncertain significance for Hereditary breast ovarian cancer syndrome. Last evaluated: 2022-10-19. Review status: criteria provided, single submitter. Criteria: Invitae Variant Classification Sherloc (09022015). Collection method: clinical testing. Allele origin: germline.
Comment: This variant has not been reported in the literature in individuals affected with BRCA2-related conditions. This variant is not present in population databases (gnomAD no frequency). This sequence change replaces arginine, which is basic and polar, with lysine, which is basic and polar, at codon 2845 of the BRCA2 protein (p.Arg2845Lys). Advanced modeling of protein sequence and biophysical properties (such as structural, functional, and spatial information, amino acid conservation, physicochemical variation, residue mobility, and thermodynamic stability) performed at Invitae indicates that this missense variant is not expected to disrupt BRCA2 protein function. In summary, the available evidence is currently insufficient to determine the role of this variant in disease. Therefore, it has been classified as a Variant of Uncertain Significance.

NM_000059.4(BRCA2):c.8534G>A (p.Arg2845Lys)

Gene: BRCA2 (BRCA2 DNA repair associated; plus strand). Cytogenetic location: 13q13.1.
Variant type: single nucleotide variant.
Coding change: c.8534G>A on transcript NM_000059.4 (MANE Select); coding-DNA position 8534, G replaced by A.
Protein change: p.Arg2845Lys; replaces arginine 2845 with lysine.
Molecular consequence: missense variant.
Genome position (GRCh38, 1-based): chr13:32,371,002, G>A. VCF-style: chr13-32371002-G-A. GRCh37 (hg19) VCF-style: chr13-32945139-G-A.
Other names: c.8438G>A, p.Arg2813Lys (NM_001406719.1); c.8534G>A, p.Arg2845Lys (NM_001406720.1); c.3602G>A, p.Arg1201Lys (NM_001406721.1); c.2117G>A, p.Arg706Lys (NM_001406722.1); short protein forms R1201K, R2813K, R2845K, R706K.
Identifiers: ClinVar variation 1721833 (VCV001721833.6), dbSNP rs2548550706, ClinGen allele CA387752742.